The following is an entry in ClinVar:

ClinVar aggregate classification (germline): Uncertain significance (1 of 4 stars; one submission).

Submission:

GeneDx
Classification: Uncertain significance. Last evaluated: 2020-10-29. Review status: criteria provided, single submitter. Criteria: GeneDx Variant Classification Process June 2021. Collection method: clinical testing. Allele origin: germline. Affected: yes.
Comment: In-frame deletion of 9 amino acids and insertion of 3 amino acids with an unclear effect on protein function; Located in the critical FHA domain (Cai 2009, Roeb 2012); In silico analysis supports a deleterious effect on protein structure/function; Not observed in large population cohorts (Lek 2016)

NM_007194.4(CHEK2):c.276_303delinsTGGCCCTTCA (p.Trp93_Asp101delinsGlyProSer)

Gene: CHEK2 (checkpoint kinase 2; minus strand). Cytogenetic location: 22q12.1.
Variant type: Indel.
Coding change: c.276_303delinsTGGCCCTTCA on transcript NM_007194.4 (MANE Select); coding-DNA positions 276 to 303, CTGGGCTCGATTATGGGCCCTTCAGGAT replaced by TGGCCCTTCA.
Protein change: p.Trp93_Asp101delinsGlyProSer.
Molecular consequence: inframe indel.
Genome position (GRCh38, 1-based): chr22:28,734,419-28,734,446, ATCCTGAAGGGCCCATAATCGAGCCCAG replaced by TGAAGGGCCA on the plus strand (CTGGGCTCGATTATGGGCCCTTCAGGAT replaced by TGGCCCTTCA on the coding strand, the reverse complement: CHEK2 is on the minus strand). GRCh37 (hg19): chr22:29,130,407-29,130,434.
Other names: c.276_303del28insTGGCCCTTCA, p.Trp93_Asp101delinsGlyProSer (NM_001005735.3, NM_001349956.3, NM_145862.3); c.-502_-475del28insTGGCCCTTCA (NM_001257387.3).
Identifiers: ClinVar variation 1320768 (VCV001320768.2), dbSNP rs2146143883, ClinGen allele CA2573054991.